The following is an entry in ClinVar:

NM_000937.5(POLR2A):c.4555C>G (p.Pro1519Ala)

Gene: POLR2A (RNA polymerase II subunit A; plus strand). Cytogenetic location: 17p13.1.
Variant type: single nucleotide variant.
Coding change: c.4555C>G on transcript NM_000937.5 (MANE Select); coding-DNA position 4555, C replaced by G.
Protein change: p.Pro1519Ala; replaces proline 1519 with alanine.
Molecular consequence: missense variant.
Genome position (GRCh38, 1-based): chr17:7,512,539, C>G. VCF-style: chr17-7512539-C-G. GRCh37 (hg19) VCF-style: chr17-7415858-C-G.
Other names: short protein forms P1519A.
Identifiers: ClinVar variation 4712263 (VCV004712263.1).
Genomic context (GRCh38, chr17:7,512,539, plus strand): 5'-ACCGGCATGTTCTTTGGTTCAGCACCCAGTCCCATGGGTGGAATCTCTCCTGCCATGACA[C>G]CTTGGAACCAGGGTGCAACCCCTGCCTATGGCGCCTGGTCCCCCAGTGTTGGTGAGTAAC-3'
Protein context (NP_000928.1, residues 1509-1529): PMGGISPAMT[Pro1519Ala]WNQGATPAYG

ClinVar aggregate classification (germline): Uncertain significance (1 of 4 stars; one submission).

Submission:

Labcorp Genetics (formerly Invitae), Labcorp
Classification: Uncertain significance. Last evaluated: 2025-02-04. Review status: criteria provided, single submitter. Criteria: Invitae Variant Classification Sherloc (09022015). Collection method: clinical testing. Allele origin: germline.
Comment: This sequence change replaces proline, which is neutral and non-polar, with alanine, which is neutral and non-polar, at codon 1519 of the POLR2A protein (p.Pro1519Ala). This variant is not present in population databases (gnomAD no frequency). This variant has not been reported in the literature in individuals affected with POLR2A-related conditions. An algorithm developed to predict the effect of missense changes on protein structure and function (PolyPhen-2) suggests that this variant is likely to be disruptive. In summary, the available evidence is currently insufficient to determine the role of this variant in disease. Therefore, it has been classified as a Variant of Uncertain Significance.